The following is an entry in ClinVar:

ClinVar aggregate classification (germline): Uncertain significance. Review status: criteria provided, multiple submitters, no conflicts (2 of 4 stars). 2 submissions from 2 submitters: Uncertain significance (2). Last evaluated 2025-12-03.

Allele frequency attached by ClinVar (database versions not stated): ExAC 0.00001; gnomAD exomes 0.00001.

Submissions (2):

GeneDx
Classification: Uncertain significance. Last evaluated: 2025-12-03. Review status: criteria provided, single submitter. Criteria: GeneDx Variant Classification Process June 2021. Collection method: clinical testing. Allele origin: germline.
Comment: Not observed at significant frequency in large population cohorts (gnomAD); In silico analysis supports that this missense variant has a deleterious effect on protein structure/function; This variant is associated with the following publications: (PMID: Laddaran2025[CaseReport])

Labcorp Genetics (formerly Invitae), Labcorp
Classification: Uncertain significance. Last evaluated: 2022-03-23. Review status: criteria provided, single submitter. Criteria: Invitae Variant Classification Sherloc (09022015). Collection method: clinical testing. Allele origin: germline.
Comment: This sequence change replaces proline, which is neutral and non-polar, with threonine, which is neutral and polar, at codon 2869 of the USH2A protein (p.Pro2869Thr). The frequency data for this variant in the population databases is considered unreliable, as metrics indicate poor data quality at this position in the gnomAD database. This variant has not been reported in the literature in individuals affected with USH2A-related conditions. Algorithms developed to predict the effect of missense changes on protein structure and function output the following: SIFT: "Deleterious"; PolyPhen-2: "Probably Damaging"; Align-GVGD: "Class C35". The threonine amino acid residue is found in multiple mammalian species, which suggests that this missense change does not adversely affect protein function. In summary, the available evidence is currently insufficient to determine the role of this variant in disease. Therefore, it has been classified as a Variant of Uncertain Significance.

NM_206933.4(USH2A):c.8605C>A (p.Pro2869Thr)

Gene: USH2A (usherin; minus strand). Cytogenetic location: 1q41.
Variant type: single nucleotide variant.
Coding change: c.8605C>A on transcript NM_206933.4 (MANE Select); coding-DNA position 8605, C replaced by A.
Protein change: p.Pro2869Thr; replaces proline 2869 with threonine.
Molecular consequence: missense variant.
Genome position (GRCh38, 1-based): chr1:215,877,834, G>T on the plus strand (C>A on the coding strand, the complement: USH2A is on the minus strand). VCF-style: chr1-215877834-G-T. GRCh37 (hg19) VCF-style: chr1-216051176-G-T.
Other names: c.8605C>A (NM_206933.2); short protein forms P2869T.
Identifiers: ClinVar variation 2147222 (VCV002147222.3), dbSNP rs757173130, ClinGen allele CA1394560.